The following is an entry in ClinVar:

ClinVar aggregate classification (germline): Uncertain significance. Review status: criteria provided, multiple submitters, no conflicts (2 of 4 stars). 4 submissions from 4 submitters: Uncertain significance (3). 1 of the submissions does not count toward it. Last evaluated 2025-08-01.

Conditions:
HSD17B4-related disorder. Also called: HSD17B4-related condition; HSD17B4-related disorders.
Bifunctional peroxisomal enzyme deficiency (DBIF). Also called: DBP DEFICIENCY; D-bifunctional protein deficiency; PBFE DEFICIENCY. Identifiers: Orphanet 300, MedGen C0342870, MONDO:0009855, OMIM 261515. Disease mechanism: loss of function.
Perrault syndrome. Also called: Gonadal dysgenesis with auditory dysfunction, autosomal recessive inheritance. Identifiers: Orphanet 2855, MedGen C0685838, MONDO:0017312.

Allele frequency attached by ClinVar (database versions not stated): ExAC 0.00007; ESP Exome Variant Server 0.00008; gnomAD exomes 0.00009.
gnomAD v4.1: 210 of 1,593,762 alleles (0.013%); highest among the groups gnomAD compares: Non-Finnish European, 0.017%; no homozygotes.

Submissions (4):

CeGaT Center for Human Genetics Tuebingen
Classification: Uncertain significance. Last evaluated: 2025-08-01. Review status: criteria provided, single submitter. Criteria: CeGaT Center For Human Genetics Tuebingen Variant Classification Criteria Version 2. Collection method: clinical testing. Allele origin: germline. Affected: yes. Observed: 1 variant allele.
Comment: HSD17B4: PM2, BP4

GeneDx
Classification: Uncertain significance. Last evaluated: 2025-06-05. Review status: criteria provided, single submitter. Criteria: GeneDx Variant Classification Process June 2021. Collection method: clinical testing. Allele origin: germline. Affected: yes.
Comment: In silico analysis suggests that this missense variant does not alter protein structure/function; Has not been previously published as pathogenic or benign to our knowledge

Labcorp Genetics (formerly Invitae), Labcorp
Classification: Uncertain significance for Perrault syndrome; Bifunctional peroxisomal enzyme deficiency. Last evaluated: 2021-12-16. Review status: criteria provided, single submitter. Criteria: Invitae Variant Classification Sherloc (09022015). Collection method: clinical testing. Allele origin: germline.
Comment: This sequence change replaces glutamine, which is neutral and polar, with glutamic acid, which is acidic and polar, at codon 587 of the HSD17B4 protein (p.Gln587Glu). This variant is present in population databases (rs138507337, gnomAD 0.02%). This variant has not been reported in the literature in individuals affected with HSD17B4-related conditions. Advanced modeling of protein sequence and biophysical properties (such as structural, functional, and spatial information, amino acid conservation, physicochemical variation, residue mobility, and thermodynamic stability) performed at Invitae indicates that this missense variant is not expected to disrupt HSD17B4 protein function. In summary, the available evidence is currently insufficient to determine the role of this variant in disease. Therefore, it has been classified as a Variant of Uncertain Significance.

PreventionGenetics, part of Exact Sciences
Classification: Uncertain significance for HSD17B4-related condition. Last evaluated: 2024-02-14. Review status: no assertion criteria provided. Collection method: clinical testing. Allele origin: germline. Not counted in ClinVar's aggregate classification.
Comment: The HSD17B4 c.1759C>G variant is predicted to result in the amino acid substitution p.Gln587Glu. To our knowledge, this variant has not been reported in the literature. This variant is reported in 0.016% of alleles in individuals of European (Non-Finnish) descent in gnomAD. At this time, the clinical significance of this variant is uncertain due to the absence of conclusive functional and genetic evidence.

NM_000414.4(HSD17B4):c.1759C>G (p.Gln587Glu)

Gene: HSD17B4 (hydroxysteroid 17-beta dehydrogenase 4; plus strand). Cytogenetic location: 5q23.1.
Variant type: single nucleotide variant.
Coding change: c.1759C>G on transcript NM_000414.4 (MANE Select); coding-DNA position 1759, C replaced by G.
Protein change: p.Gln587Glu; replaces glutamine 587 with glutamic acid.
Molecular consequence: missense variant. On other transcripts: non-coding transcript variant (2).
Genome position (GRCh38, 1-based): chr5:119,527,211, C>G. VCF-style: chr5-119527211-C-G. GRCh37 (hg19) VCF-style: chr5-118862906-C-G.
Other names: c.1834C>G, p.Gln612Glu (NM_001199291.3); c.1705C>G, p.Gln569Glu (NM_001199292.2); c.1687C>G, p.Gln563Glu (NM_001292027.2, NM_001374498.1); c.1339C>G, p.Gln447Glu (NM_001292028.2); c.1750C>G, p.Gln584Glu (NM_001374497.1); c.1432C>G, p.Gln478Glu (NM_001374499.1); c.1318C>G, p.Gln440Glu (NM_001374500.1); c.1348C>G, p.Gln450Glu (NM_001374501.1, NM_001374502.1, NM_001374503.1); and 1 more; short protein forms Q478E, Q569E, Q584E, Q440E, Q447E, Q450E, Q563E, Q587E.
Identifiers: ClinVar variation 1432181 (VCV001432181.14), dbSNP rs138507337, ClinGen allele CA3382377.